The following is an entry in ClinVar:

ClinVar aggregate classification (germline): Likely pathogenic (1 of 4 stars; one submission).

gnomAD v4.1: 1 of 1,613,630 alleles (0.000062%); highest among the groups gnomAD compares: South Asian, 0.0011%; no homozygotes.

Submission:

Labcorp Genetics (formerly Invitae), Labcorp
Classification: Likely pathogenic. Last evaluated: 2024-03-11. Review status: criteria provided, single submitter. Criteria: Invitae Variant Classification Sherloc (09022015). Collection method: clinical testing. Allele origin: germline.
Comment: This sequence change affects a donor splice site in intron 2 of the PKLR gene. It is expected to disrupt RNA splicing. Variants that disrupt the donor or acceptor splice site typically lead to a loss of protein function (PMID: 16199547), and loss-of-function variants in PKLR are known to be pathogenic (PMID: 15953013, 26832193). This variant is present in population databases (no rsID available, gnomAD 0.003%). This variant has not been reported in the literature in individuals affected with PKLR-related conditions. Algorithms developed to predict the effect of sequence changes on RNA splicing suggest that this variant may disrupt the consensus splice site. In summary, the currently available evidence indicates that the variant is pathogenic, but additional data are needed to prove that conclusively. Therefore, this variant has been classified as Likely Pathogenic.

Literature cited by the submitters: PubMed 16199547; PubMed 15953013; PubMed 26832193.

NM_000298.6(PKLR):c.283+1G>A

Gene: PKLR (pyruvate kinase L/R; minus strand). Cytogenetic location: 1q22.
Variant type: single nucleotide variant.
Coding change: c.283+1G>A on transcript NM_000298.6 (MANE Select); the canonical splice donor site of the intron after coding-DNA position 283, G replaced by A.
Molecular consequence: splice donor variant.
Genome position (GRCh38, 1-based): chr1:155,300,097, C>T on the plus strand (G>A on the coding strand, the complement: PKLR is on the minus strand). VCF-style: chr1-155300097-C-T. GRCh37 (hg19) VCF-style: chr1-155269888-C-T.
Other names: c.190+1G>A (NM_181871.4).
Identifiers: ClinVar variation 3632163 (VCV003632163.2).
Genomic context (GRCh38, chr1:155,300,097, plus strand): 5'-AGAAGCACCTCAAGAAATACCAATAGGCCCTGTGTGGCTGCAGGGGGATGGGAGTGCTTA[C>T]CGATGGTGGCAATGATGCTGGTACTGCGAGCAGCCACGGGCTCGGAGTCAATGTCCAGTA-3'